The following is an entry in ClinVar:

NM_017550.3(MIER2):c.918G>A (p.Glu306=)

Gene: MIER2 (MIER family member 2; minus strand). Cytogenetic location: 19p13.3.
Variant type: single nucleotide variant.
Coding change: c.918G>A on transcript NM_017550.3 (MANE Select); coding-DNA position 918, G replaced by A.
Protein change: p.Glu306=; no amino-acid change (glutamic acid 306 retained).
Molecular consequence: synonymous variant.
Genome position (GRCh38, 1-based): chr19:311,911, C>T on the plus strand (G>A on the coding strand, the complement: MIER2 is on the minus strand). VCF-style: chr19-311911-C-T. GRCh37 (hg19) VCF-style: chr19-311911-C-T.
Other names: c.810G>A, p.Glu270= (NM_001346105.2, NM_001387154.1, NM_001387155.1); c.924G>A, p.Glu308= (NM_001387152.1); c.918G>A, p.Glu306= (NM_001387153.1); c.666G>A, p.Glu222= (NM_001387156.1, NM_001387157.1).
Identifiers: ClinVar variation 2648841 (VCV002648841.24), dbSNP rs117010939, ClinGen allele CA9013898.
Genomic context (GRCh38, chr19:311,911, plus strand): 5'-GGCCTGGATCAGGTGAAAGTTCTTTCCATGCACACGGAAGCCGTGCTCAAAGTTCCTGCA[C>T]TCCTCTTCACTCCAAGCACAGAGCCCATCTGCAAACACGGCCGGGGAGAACGGTCAGTGG-3'
Protein context (NP_060020.1, residues 296-316): RDGLCAWSEE[Glu306=]CRNFEHGFRV

ClinVar aggregate classification (germline): Likely benign (1 of 4 stars; one submission).

Allele frequency attached by ClinVar (database versions not stated): 1000 Genomes Project 0.00100; 1000 Genomes Project 30x 0.00125; ExAC 0.00174; ESP Exome Variant Server 0.00208; TOPMed 0.00209; gnomAD 0.00220.
gnomAD v4.1: 3,986 of 1,614,066 alleles (0.25%); highest among the groups gnomAD compares: Admixed American, 0.31%; 8 homozygotes.

Submission:

CeGaT Center for Human Genetics Tuebingen
Classification: Likely benign. Last evaluated: 2022-06-01. Review status: criteria provided, single submitter. Criteria: CeGaT Center For Human Genetics Tuebingen Variant Classification Criteria Version 2. Collection method: clinical testing. Allele origin: germline. Affected: yes. Observed: 1 variant allele.
Comment: MIER2: BP4, BP7